The following is an entry in ClinVar:

NM_014423.4(AFF4):c.1908T>C (p.Ser636=)

Gene: AFF4 (ALF transcription elongation factor 4; minus strand). Cytogenetic location: 5q31.1.
Variant type: single nucleotide variant.
Coding change: c.1908T>C on transcript NM_014423.4 (MANE Select); coding-DNA position 1908, T replaced by C.
Protein change: p.Ser636=; no amino-acid change (serine 636 retained).
Molecular consequence: synonymous variant.
Genome position (GRCh38, 1-based): chr5:132,896,722, A>G on the plus strand (T>C on the coding strand, the complement: AFF4 is on the minus strand). VCF-style: chr5-132896722-A-G. GRCh37 (hg19) VCF-style: chr5-132232414-A-G.
Identifiers: ClinVar variation 3356128 (VCV003356128.1).

ClinVar aggregate classification (germline): Likely benign (0 of 4 stars; one submission).

Conditions:
AFF4-related disorder. Also called: AFF4-related condition.

gnomAD v4.1: 1 of 1,614,162 alleles (0.000062%); highest among the groups gnomAD compares: African/African-American, 0.0013%; no homozygotes.

Submission:

PreventionGenetics, part of Exact Sciences
Classification: Likely benign for AFF4-related condition. Last evaluated: 2023-05-24. Review status: no assertion criteria provided. Collection method: clinical testing. Allele origin: germline.
Comment: This variant is classified as likely benign based on ACMG/AMP sequence variant interpretation guidelines (Richards et al. 2015 PMID: 25741868, with internal and published modifications).